The following is an entry in ClinVar:

NM_001354604.2(MITF):c.-7G>T

Genes: MITF (melanocyte inducing transcription factor; plus strand), LOC107988042 (MITF-A promoter region; plus strand). Cytogenetic location: 3p13.
Variant type: single nucleotide variant.
Coding change: c.-7G>T on transcript NM_001354604.2 (MANE Select); 7 bases upstream of the start codon, G replaced by T.
Molecular consequence: 5 prime UTR variant.
Genome position (GRCh38, 1-based): chr3:69,739,591, G>T. VCF-style: chr3-69739591-G-T. GRCh37 (hg19) VCF-style: chr3-69788742-G-T.
Other names: c.-7G>T (NM_001354605.2, NM_001354606.2, NM_198159.3); c.-187G>T (NM_001354607.2); c.-202G>T (NM_001354608.2).
Identifiers: ClinVar variation 4988594 (VCV004988594.1).

ClinVar aggregate classification (germline): Likely benign (1 of 4 stars; one submission).

Conditions:
MITF-related disorder. Also called: MITF-related condition.

Submission:

PreventionGenetics, part of Exact Sciences
Classification: Likely benign for MITF-related condition. Last evaluated: 2025-07-28. Review status: criteria provided, single submitter. Criteria: ACMG Guidelines, 2015. Collection method: clinical testing. Allele origin: germline.
Comment: This variant is classified as likely benign based on ACMG/AMP sequence variant interpretation guidelines (Richards et al. 2015 PMID: 25741868, with internal and published modifications).